The following is an entry in ClinVar:

ClinVar aggregate classification (germline): Uncertain significance. Review status: criteria provided, multiple submitters, no conflicts (2 of 4 stars). 2 submissions from 2 submitters: Uncertain significance (2). Last evaluated 2025-10-13.

gnomAD v4.1: 6 of 1,614,214 alleles (0.00037%); highest among the groups gnomAD compares: Non-Finnish European, 0.00042%; no homozygotes.

Submissions (2):

Labcorp Genetics (formerly Invitae), Labcorp
Classification: Uncertain significance. Last evaluated: 2025-10-13. Review status: criteria provided, single submitter. Criteria: Invitae Variant Classification Sherloc (09022015). Collection method: clinical testing. Allele origin: germline.
Comment: This sequence change falls in intron 4 of the COL2A1 gene. It does not directly change the encoded amino acid sequence of the COL2A1 protein. It affects a nucleotide within the consensus splice site. This variant is present in population databases (rs749070060, gnomAD 0.0009%). This variant has not been reported in the literature in individuals affected with COL2A1-related conditions. ClinVar contains an entry for this variant (Variation ID: 3623018). Variants that disrupt the consensus splice site are a relatively common cause of aberrant splicing (PMID: 17576681, 9536098). Algorithms developed to predict the effect of sequence changes on RNA splicing suggest that this variant is not likely to affect RNA splicing. In summary, the available evidence is currently insufficient to determine the role of this variant in disease. Therefore, it has been classified as a Variant of Uncertain Significance.

Blueprint Genetics
Classification: Uncertain significance. Last evaluated: 2023-10-23. Review status: criteria provided, single submitter. Criteria: ACMG Guidelines, 2015. Collection method: clinical testing. Allele origin: germline.

Literature cited by the submitters: PubMed 17576681 (cited by Labcorp Genetics (formerly Invitae), Labcorp); PubMed 9536098 (cited by Labcorp Genetics (formerly Invitae), Labcorp).

NM_001844.5(COL2A1):c.343-3C>T

Gene: COL2A1 (collagen type II alpha 1 chain; minus strand). Cytogenetic location: 12q13.11.
Variant type: single nucleotide variant.
Coding change: c.343-3C>T on transcript NM_001844.5 (MANE Select); 3 bases into the intron before coding-DNA position 343, C replaced by T.
Molecular consequence: intron variant.
Genome position (GRCh38, 1-based): chr12:47,998,067, G>A on the plus strand (C>T on the coding strand, the complement: COL2A1 is on the minus strand). VCF-style: chr12-47998067-G-A. GRCh37 (hg19) VCF-style: chr12-48391850-G-A.
Other names: c.136-3C>T (NM_033150.3).
Identifiers: ClinVar variation 3623018 (VCV003623018.3).